The following is an entry in ClinVar:

NM_004525.3(LRP2):c.5041T>C (p.Tyr1681His)

Gene: LRP2 (LDL receptor related protein 2; minus strand). Cytogenetic location: 2q31.1.
Variant type: single nucleotide variant.
Coding change: c.5041T>C on transcript NM_004525.3 (MANE Select); coding-DNA position 5041, T replaced by C.
Protein change: p.Tyr1681His; replaces tyrosine 1681 with histidine.
Molecular consequence: missense variant.
Genome position (GRCh38, 1-based): chr2:169,233,468, A>G on the plus strand (T>C on the coding strand, the complement: LRP2 is on the minus strand). VCF-style: chr2-169233468-A-G. GRCh37 (hg19) VCF-style: chr2-170089978-A-G.
Other names: short protein forms Y1681H.
Identifiers: ClinVar variation 1920135 (VCV001920135.5), dbSNP rs1384795769, ClinGen allele CA349141069.

ClinVar aggregate classification (germline): Uncertain significance (1 of 4 stars; one submission).

Allele frequency attached by ClinVar (database versions not stated): gnomAD exomes below 0.00001.
gnomAD v4.1: 1 of 1,614,196 alleles (0.000062%); highest among the groups gnomAD compares: Admixed American, 0.0017%; no homozygotes.

Submission:

Labcorp Genetics (formerly Invitae), Labcorp
Classification: Uncertain significance. Last evaluated: 2023-11-27. Review status: criteria provided, single submitter. Criteria: Invitae Variant Classification Sherloc (09022015). Collection method: clinical testing. Allele origin: germline.
Comment: This sequence change replaces tyrosine, which is neutral and polar, with histidine, which is basic and polar, at codon 1681 of the LRP2 protein (p.Tyr1681His). This variant is present in population databases (no rsID available, gnomAD 0.003%). This variant has not been reported in the literature in individuals affected with LRP2-related conditions. ClinVar contains an entry for this variant (Variation ID: 1920135). An algorithm developed to predict the effect of missense changes on protein structure and function (PolyPhen-2) suggests that this variant is likely to be tolerated. In summary, the available evidence is currently insufficient to determine the role of this variant in disease. Therefore, it has been classified as a Variant of Uncertain Significance.